The following is an entry in ClinVar:

NM_000051.4(ATM):c.1037_1040del (p.Ile346fs)

Gene: ATM (ATM serine/threonine kinase; plus strand). Cytogenetic location: 11q22.3.
Variant type: Microsatellite.
Coding change: c.1037_1040del on transcript NM_000051.4 (MANE Select); coding-DNA positions 1037 to 1040, 4 bases deleted (TTGA; older notation c.1037_1040delTTGA).
Protein change: p.Ile346fs; shifts the reading frame from isoleucine 346.
Molecular consequence: frameshift variant.
Genome position (GRCh38, 1-based): chr11:108,247,099-108,247,102, TTGA deleted; deleting any 4 consecutive bases within chr11:108,247,095-108,247,102 gives the same sequence; the c. name uses the placement nearest the transcript's 3' end. VCF-style (leftmost placement, unchanged base first): chr11-108247094-TTTGA-T. GRCh37 (hg19) VCF-style: chr11-108117821-TTTGA-T.
Other names: c.1037_1040delTTGA (NM_000051.3); c.1037_1040del, p.Ile346fs (NM_001351834.2); short protein forms I346fs.
Identifiers: ClinVar variation 1073215 (VCV001073215.12), dbSNP rs2135268548, ClinGen allele CA2580616437.

ClinVar aggregate classification (germline): Pathogenic. Review status: criteria provided, multiple submitters, no conflicts (2 of 4 stars). 5 submissions from 5 submitters: Pathogenic (5). Last evaluated 2024-05-10.

Conditions:
Hereditary cancer-predisposing syndrome. Also called: Neoplastic Syndromes, Hereditary; Hereditary neoplastic syndrome; Tumor predisposition; Hereditary Cancer Syndrome. Identifiers: Orphanet 140162, MedGen C0027672, MeSH D009386, MONDO:0015356.
Familial cancer of breast. Also called: BREAST CANCER, FAMILIAL; hereditary breast carcinoma; Hereditary breast cancer. Identifiers: Orphanet 227535, MedGen C0346153, MONDO:0016419, OMIM 114480. Disease mechanism: loss of function.
Ataxia-telangiectasia syndrome (AT). Also called: Cerebello-oculocutaneous telangiectasia; Immunodeficiency with ataxia telangiectasia; ATAXIA-TELANGIECTASIA, FRESNO VARIANT; Ataxia-telangiectasia, complementation group D; Ataxia telangiectasia (A-T); LOUIS-BAR SYNDROME. Identifiers: Orphanet 100, MedGen C0004135, MONDO:0008840, OMIM 208900.

Submissions (5):

Molecular Pathology, Peter Maccallum Cancer Centre
Classification: Pathogenic for Ataxia-telangiectasia syndrome. Last evaluated: 2024-05-10. Review status: criteria provided, single submitter. Criteria: ACMG Guidelines, 2015. Collection method: clinical testing. Allele origin: germline. Inheritance: Autosomal recessive inheritance.

Baylor Genetics
Classification: Pathogenic for Familial cancer of breast. Last evaluated: 2024-02-19. Review status: criteria provided, single submitter. Criteria: ACMG Guidelines, 2015. Collection method: clinical testing. Allele origin: unknown.

Myriad Genetics, Inc.
Classification: Pathogenic for Familial cancer of breast. Last evaluated: 2024-01-11. Review status: criteria provided, single submitter. Criteria: Myriad Autosomal Dominant, Autosomal Recessive and X-Linked Classification Criteria (2023). Collection method: clinical testing. Allele origin: unknown.
Comment: This variant is considered pathogenic. This variant creates a frameshift predicted to result in premature protein truncation.

Ambry Genetics
Classification: Pathogenic for Hereditary cancer-predisposing syndrome. Last evaluated: 2023-11-01. Review status: criteria provided, single submitter. Criteria: Ambry Variant Classification Scheme 2023. Collection method: clinical testing. Allele origin: germline.
Comment: The c.1037_1040delTTGA pathogenic mutation, located in coding exon 7 of the ATM gene, results from a deletion of 4 nucleotides at nucleotide positions 1037 to 1040, causing a translational frameshift with a predicted alternate stop codon (p.I346Nfs*2). This variant has been identified in an individual with clinical features of ataxia-telangiectasia (Birrell GW et al. Hum Mutat, 2005 Jun;25:593). This variant is considered to be rare based on population cohorts in the Genome Aggregation Database (gnomAD). In addition to the clinical data presented in the literature, this alteration is expected to result in loss of function by premature protein truncation or nonsense-mediated mRNA decay. As such, this alteration is interpreted as a disease-causing mutation.

Labcorp Genetics (formerly Invitae), Labcorp
Classification: Pathogenic for Ataxia-telangiectasia syndrome. Last evaluated: 2020-02-26. Review status: criteria provided, single submitter. Criteria: Invitae Variant Classification Sherloc (09022015). Collection method: clinical testing. Allele origin: germline.
Comment: This sequence change creates a premature translational stop signal (p.Ile346Asnfs*2) in the ATM gene. It is expected to result in an absent or disrupted protein product. This variant is not present in population databases (ExAC no frequency). This variant has been observed in individual(s) with clinical features of ataxia-telangiectasia (PMID: 15880721). Loss-of-function variants in ATM are known to be pathogenic (PMID: 23807571, 25614872). For these reasons, this variant has been classified as Pathogenic.

Literature cited by the submitters: PubMed 15880721 (cited by Ambry Genetics and Labcorp Genetics (formerly Invitae), Labcorp); PubMed 23807571 (cited by Labcorp Genetics (formerly Invitae), Labcorp); PubMed 25614872 (cited by Labcorp Genetics (formerly Invitae), Labcorp).